The following is an entry in ClinVar:

ClinVar aggregate classification (germline): Uncertain significance (1 of 4 stars; one submission).

Conditions:
Absence seizure. Also called: Absence epilepsy. Identifiers: Orphanet 1941, MedGen C0014553.
Myoclonic epilepsy, juvenile, susceptibility to, 1. Also called: Myoclonic Epilepsy, Juvenile, 1; EJM1. Identifiers: MedGen C1850778, MONDO:0020752, OMIM 254770.

Allele frequency attached by ClinVar (database versions not stated): gnomAD exomes 0.00003.
gnomAD v4.1: 39 of 1,614,116 alleles (0.0024%); highest among the groups gnomAD compares: Non-Finnish European, 0.0033%; no homozygotes.

Submission:

Labcorp Genetics (formerly Invitae), Labcorp
Classification: Uncertain significance for Myoclonic epilepsy, juvenile, susceptibility to, 1; Absence seizure. Last evaluated: 2020-07-10. Review status: criteria provided, single submitter. Criteria: Invitae Variant Classification Sherloc (09022015). Collection method: clinical testing. Allele origin: germline.
Comment: This sequence change replaces aspartic acid with glycine at codon 363 of the EFHC1 protein (p.Asp363Gly). The aspartic acid residue is highly conserved and there is a moderate physicochemical difference between aspartic acid and glycine. This variant is not present in population databases (ExAC no frequency). This variant has not been reported in the literature in individuals with EFHC1-related conditions. Algorithms developed to predict the effect of missense changes on protein structure and function are either unavailable or do not agree on the potential impact of this missense change (SIFT: "Deleterious"; PolyPhen-2: "Benign"; Align-GVGD: "Class C65"). In summary, the available evidence is currently insufficient to determine the role of this variant in disease. Therefore, it has been classified as a Variant of Uncertain Significance.

NM_018100.4(EFHC1):c.1088A>G (p.Asp363Gly)

Gene: EFHC1 (EF-hand domain containing 1; plus strand). Cytogenetic location: 6p12.2.
Variant type: single nucleotide variant.
Coding change: c.1088A>G on transcript NM_018100.4 (MANE Select); coding-DNA position 1088, A replaced by G.
Protein change: p.Asp363Gly; replaces aspartic acid 363 with glycine.
Molecular consequence: missense variant. On other transcripts: non-coding transcript variant (1).
Genome position (GRCh38, 1-based): chr6:52,465,066, A>G. VCF-style: chr6-52465066-A-G. GRCh37 (hg19) VCF-style: chr6-52329864-A-G.
Other names: c.1031A>G, p.Asp344Gly (NM_001172420.2); short protein forms D344G, D363G.
Identifiers: ClinVar variation 1006991 (VCV001006991.10), dbSNP rs1765271296, ClinGen allele CA364455784.